The following is an entry in ClinVar:

NM_004736.4(XPR1):c.815A>G (p.Tyr272Cys)

Gene: XPR1 (xenotropic and polytropic retrovirus receptor 1; plus strand). Cytogenetic location: 1q25.3.
Variant type: single nucleotide variant.
Coding change: c.815A>G on transcript NM_004736.4 (MANE Select); coding-DNA position 815, A replaced by G.
Protein change: p.Tyr272Cys; replaces tyrosine 272 with cysteine.
Molecular consequence: missense variant. On other transcripts: non-coding transcript variant (1).
Genome position (GRCh38, 1-based): chr1:180,824,804, A>G. VCF-style: chr1-180824804-A-G. GRCh37 (hg19) VCF-style: chr1-180793940-A-G.
Other names: c.815A>G, p.Tyr272Cys (NM_001135669.2, NM_001328662.2); short protein forms Y272C.
Identifiers: ClinVar variation 2107587 (VCV002107587.4), dbSNP rs1650769103, ClinGen allele CA343839394.

ClinVar aggregate classification (germline): Uncertain significance (1 of 4 stars; one submission).

Allele frequency attached by ClinVar (database versions not stated): gnomAD exomes below 0.00001; TOPMed below 0.00001.
gnomAD v4.1: 1 of 1,614,108 alleles (0.000062%); highest among the groups gnomAD compares: Non-Finnish European, 0.000085%; no homozygotes.

Submission:

Labcorp Genetics (formerly Invitae), Labcorp
Classification: Uncertain significance. Last evaluated: 2022-04-05. Review status: criteria provided, single submitter. Criteria: Invitae Variant Classification Sherloc (09022015). Collection method: clinical testing. Allele origin: germline.
Comment: This sequence change replaces tyrosine, which is neutral and polar, with cysteine, which is neutral and slightly polar, at codon 272 of the XPR1 protein (p.Tyr272Cys). This variant is not present in population databases (gnomAD no frequency). This variant has not been reported in the literature in individuals affected with XPR1-related conditions. Algorithms developed to predict the effect of missense changes on protein structure and function are either unavailable or do not agree on the potential impact of this missense change (SIFT: "Deleterious"; PolyPhen-2: "Probably Damaging"; Align-GVGD: "Class C0"). In summary, the available evidence is currently insufficient to determine the role of this variant in disease. Therefore, it has been classified as a Variant of Uncertain Significance.